The following is an entry in ClinVar:

NM_002160.4(TNC):c.4630G>A (p.Gly1544Arg)

Gene: TNC (tenascin C; minus strand). Cytogenetic location: 9q33.1.
Variant type: single nucleotide variant.
Coding change: c.4630G>A on transcript NM_002160.4 (MANE Select); coding-DNA position 4630, G replaced by A.
Protein change: p.Gly1544Arg; replaces glycine 1544 with arginine.
Molecular consequence: missense variant. On other transcripts: intron variant (22).
Genome position (GRCh38, 1-based): chr9:115,048,482, C>T on the plus strand (G>A on the coding strand, the complement: TNC is on the minus strand). VCF-style: chr9-115048482-C-T. GRCh37 (hg19) VCF-style: chr9-117810761-C-T.
Other names: c.5179G>A, p.Gly1727Arg (NM_001439065.1, NM_001439066.1, NM_001439067.1); c.4906G>A, p.Gly1636Arg (NM_001439068.1, NM_001439069.1, NM_001439070.1); c.4903G>A, p.Gly1635Arg (NM_001439071.1); c.4633G>A, p.Gly1545Arg (NM_001439072.1, NM_001439073.1); c.4630G>A, p.Gly1544Arg (NM_001439074.1, NM_001439075.1, NM_001439076.1); c.4357G>A, p.Gly1453Arg (NM_001439080.1, NM_001439081.1, NM_001439082.1); c.3538G>A, p.Gly1180Arg (NM_001439090.1); c.3215-6141G>A (NM_001439099.1, NM_001439100.1, NM_001439101.1); and 9 more; short protein forms G1544R, G1635R, G1727R, G1636R, G1180R, G1453R, G1545R.
Identifiers: ClinVar variation 4986914 (VCV004986914.1).

ClinVar aggregate classification (germline): Uncertain significance (1 of 4 stars; one submission).

Conditions:
TNC-related disorder. Also called: TNC-related condition.

gnomAD v4.1: 34 of 1,613,740 alleles (0.0021%); highest among the groups gnomAD compares: Non-Finnish European, 0.0025%; no homozygotes.

Submission:

PreventionGenetics, part of Exact Sciences
Classification: Uncertain significance for TNC-related condition. Last evaluated: 2024-11-05. Review status: criteria provided, single submitter. Criteria: ACMG Guidelines, 2015. Collection method: clinical testing. Allele origin: germline.
Comment: The TNC c.4630G>A variant is predicted to result in the amino acid substitution p.Gly1544Arg. To our knowledge, this variant has not been reported in the literature. This variant is reported in 0.0046% of alleles in individuals of European (Finnish) descent in gnomAD. At this time, the clinical significance of this variant is uncertain due to the absence of conclusive functional and genetic evidence.